The following is an entry in ClinVar:

ClinVar aggregate classification (germline): Benign/Likely benign. Review status: criteria provided, multiple submitters, no conflicts (2 of 4 stars). 6 submissions from 6 submitters: Benign (1); Likely benign (5). Last evaluated 2026-09-01.

Conditions:
Developmental and epileptic encephalopathy, 42 (DEE42A). Also called: DEVELOPMENTAL AND EPILEPTIC ENCEPHALOPATHY 42A; EPILEPTIC ENCEPHALOPATHY, EARLY INFANTILE, 42A; Epileptic encephalopathy, early infantile, 42. Identifiers: MedGen C4310716, MONDO:0014917, OMIM 617106.
Episodic ataxia type 2 (EA2). Also called: EPISODIC ATAXIA, NYSTAGMUS-ASSOCIATED; ATAXIA, EPISODIC, WITH NYSTAGMUS; ATAXIA, FAMILIAL PAROXYSMAL; CEREBELLAR ATAXIA, PAROXYSMAL, ACETAZOLAMIDE-RESPONSIVE; CEREBELLOPATHY, HEREDITARY PAROXYSMAL; ACETAZOLAMIDE-RESPONSIVE HEREDITARY PAROXYSMAL CEREBELLAR ATAXIA. Identifiers: Orphanet 97, MedGen C1720416, MONDO:0007163, OMIM 108500.

Allele frequency attached by ClinVar (database versions not stated): TOPMed 0.00003; ExAC 0.00007; gnomAD 0.00007; gnomAD exomes 0.00007; 1000 Genomes Project 30x 0.00016; ESP Exome Variant Server 0.00016.
gnomAD v4.1: 99 of 1,610,624 alleles (0.0061%); highest among the groups gnomAD compares: Admixed American, 0.01%; no homozygotes.

Submissions (6):

CeGaT Center for Human Genetics Tuebingen
Classification: Likely benign. Last evaluated: 2026-09-01. Review status: criteria provided, single submitter. Criteria: CeGaT Center For Human Genetics Tuebingen Variant Classification Criteria Version 2. Collection method: clinical testing. Allele origin: germline. Affected: yes. Observed: 4 variant alleles.
Comment: CACNA1A: BP4, BP7

Women's Health and Genetics/Laboratory Corporation of America, LabCorp
Classification: Likely benign. Last evaluated: 2026-06-10. Review status: criteria provided, single submitter. Criteria: LabCorp Variant Classification Summary - May 2015. Collection method: clinical testing. Allele origin: germline.

Labcorp Genetics (formerly Invitae), Labcorp
Classification: Likely benign for Developmental and epileptic encephalopathy, 42; Episodic ataxia type 2. Last evaluated: 2025-09-10. Review status: criteria provided, single submitter. Criteria: Invitae Variant Classification Sherloc (09022015). Collection method: clinical testing. Allele origin: germline.

Athena Diagnostics
Classification: Benign. Last evaluated: 2025-03-17. Review status: criteria provided, single submitter. Criteria: Athena Diagnostics Criteria. Collection method: clinical testing. Allele origin: unknown.
Comment: The frequency of this variant in the general population is higher than would generally be expected for pathogenic variants in this gene. Computational tools yielded predictions that this variant is unlikely to have an effect on normal RNA splicing. This nucleotide position exhibits low evolutionary conservation.

ARUP Laboratories, Molecular Genetics and Genomics, ARUP Laboratories
Classification: Likely benign. Last evaluated: 2025-01-17. Review status: criteria provided, single submitter. Criteria: ARUP Molecular Germline Variant Investigation Process 2024. Collection method: clinical testing. Allele origin: germline.

GeneDx
Classification: Likely benign. Last evaluated: 2020-05-05. Review status: criteria provided, single submitter. Criteria: GeneDx Variant Classification Process June 2021. Collection method: clinical testing. Allele origin: germline. Affected: yes.

NM_001127222.2(CACNA1A):c.4338G>A (p.Leu1446=)

Gene: CACNA1A (calcium voltage-gated channel subunit alpha1 A; minus strand). Cytogenetic location: 19p13.13.
Variant type: single nucleotide variant.
Coding change: c.4338G>A on transcript NM_001127222.2 (MANE Select); coding-DNA position 4338, G replaced by A.
Protein change: p.Leu1446=; no amino-acid change (leucine 1446 retained).
Molecular consequence: synonymous variant.
Genome position (GRCh38, 1-based): chr19:13,259,614, C>T on the plus strand (G>A on the coding strand, the complement: CACNA1A is on the minus strand). VCF-style: chr19-13259614-C-T. GRCh37 (hg19) VCF-style: chr19-13370428-C-T.
Other names: c.4341G>A (NM_000068.2); c.4350G>A, p.Leu1450= (NM_000068.4, NM_023035.3); c.4341G>A, p.Leu1447= (NM_001127221.2, NM_001174080.2).
Identifiers: ClinVar variation 715069 (VCV000715069.48), dbSNP rs371952826, ClinGen allele CA9240031.